The following is an entry in ClinVar:

ClinVar aggregate classification (germline): Uncertain significance (1 of 4 stars; one submission).

Submission:

GeneDx
Classification: Uncertain significance. Last evaluated: 2025-12-23. Review status: criteria provided, single submitter. Criteria: GeneDx Variant Classification Process June 2021. Collection method: clinical testing. Allele origin: germline.
Comment: Not observed at significant frequency in large population cohorts (gnomAD); In silico analysis suggests that this missense variant does not alter protein structure/function; Has not been previously published as pathogenic or benign to our knowledge

NM_003482.4(KMT2D):c.11513C>G (p.Pro3838Arg)

Gene: KMT2D (lysine methyltransferase 2D; minus strand). Cytogenetic location: 12q13.12.
Variant type: single nucleotide variant.
Coding change: c.11513C>G on transcript NM_003482.4 (MANE Select); coding-DNA position 11513, C replaced by G.
Protein change: p.Pro3838Arg; replaces proline 3838 with arginine.
Molecular consequence: missense variant.
Genome position (GRCh38, 1-based): chr12:49,033,192, G>C on the plus strand (C>G on the coding strand, the complement: KMT2D is on the minus strand). VCF-style: chr12-49033192-G-C. GRCh37 (hg19) VCF-style: chr12-49426975-G-C.
Other names: short protein forms P3838R.
Identifiers: ClinVar variation 1698133 (VCV001698133.3), dbSNP rs1273887681, ClinGen allele CA384718030.